The following is an entry in ClinVar:

NM_001113378.2(FANCI):c.3250G>A (p.Val1084Ile)

Gene: FANCI (FA complementation group I; plus strand). Cytogenetic location: 15q26.1.
Variant type: single nucleotide variant.
Coding change: c.3250G>A on transcript NM_001113378.2 (MANE Select); coding-DNA position 3250, G replaced by A.
Protein change: p.Val1084Ile; replaces valine 1084 with isoleucine.
Molecular consequence: missense variant.
Genome position (GRCh38, 1-based): chr15:89,305,404, G>A. VCF-style: chr15-89305404-G-A. GRCh37 (hg19) VCF-style: chr15-89848635-G-A.
Other names: c.2971G>A, p.Val991Ile (NM_001376910.1); c.3250G>A, p.Val1084Ile (NM_001376911.1); c.3070G>A, p.Val1024Ile (NM_018193.3); short protein forms V1024I, V1084I, V991I.
Identifiers: ClinVar variation 3367938 (VCV003367938.1).

ClinVar aggregate classification (germline): Uncertain significance (1 of 4 stars; one submission).

gnomAD v4.1: 2 of 1,613,468 alleles (0.00012%); highest among the groups gnomAD compares: Non-Finnish European, 0.000085%; no homozygotes.

Submission:

GeneDx
Classification: Uncertain significance. Last evaluated: 2024-02-12. Review status: criteria provided, single submitter. Criteria: GeneDx Variant Classification Process June 2021. Collection method: clinical testing. Allele origin: germline. Affected: yes.
Comment: Not observed at significant frequency in large population cohorts (gnomAD); In silico analysis supports that this missense variant does not alter protein structure/function; Has not been previously published as pathogenic or benign to our knowledge